The following is an entry in ClinVar:

NM_001256545.2(MEGF10):c.1597A>G (p.Thr533Ala)

Gene: MEGF10 (multiple EGF like domains 10; plus strand). Cytogenetic location: 5q23.2.
Variant type: single nucleotide variant.
Coding change: c.1597A>G on transcript NM_001256545.2 (MANE Select); coding-DNA position 1597, A replaced by G.
Protein change: p.Thr533Ala; replaces threonine 533 with alanine.
Molecular consequence: missense variant.
Genome position (GRCh38, 1-based): chr5:127,422,676, A>G. VCF-style: chr5-127422676-A-G. GRCh37 (hg19) VCF-style: chr5-126758368-A-G.
Other names: c.1597A>G, p.Thr533Ala (NM_001308119.2, NM_001308121.2, NM_032446.3); short protein forms T533A.
Identifiers: ClinVar variation 933922 (VCV000933922.9), dbSNP rs954749214, ClinGen allele CA126951072.

ClinVar aggregate classification (germline): Uncertain significance. Review status: criteria provided, multiple submitters, no conflicts (2 of 4 stars). 2 submissions from 2 submitters: Uncertain significance (2). Last evaluated 2024-01-08.

Conditions:
MEGF10-related myopathy (CMYO10A). Also called: Congenital myopathy 10A, severe variant. Identifiers: Orphanet 439212, MedGen C3280679, MONDO:0013731, OMIM 614399.
Inborn genetic diseases. Identifiers: MedGen C0950123, MeSH D030342.

Allele frequency attached by ClinVar (database versions not stated): gnomAD exomes below 0.00001 and 0.00001; gnomAD 0.00002; TOPMed 0.00003.
gnomAD v4.1: 24 of 1,613,766 alleles (0.0015%); highest among the groups gnomAD compares: Non-Finnish European, 0.0018%; no homozygotes.

Submissions (2):

Ambry Genetics
Classification: Uncertain significance for Inborn genetic diseases. Last evaluated: 2024-01-08. Review status: criteria provided, single submitter. Criteria: Ambry Variant Classification Scheme 2023. Collection method: clinical testing. Allele origin: germline.

Labcorp Genetics (formerly Invitae), Labcorp
Classification: Uncertain significance for MEGF10-related myopathy. Last evaluated: 2023-11-27. Review status: criteria provided, single submitter. Criteria: Invitae Variant Classification Sherloc (09022015). Collection method: clinical testing. Allele origin: germline.
Comment: This sequence change replaces threonine, which is neutral and polar, with alanine, which is neutral and non-polar, at codon 533 of the MEGF10 protein (p.Thr533Ala). This variant is present in population databases (no rsID available, gnomAD 0.0009%). This variant has not been reported in the literature in individuals affected with MEGF10-related conditions. ClinVar contains an entry for this variant (Variation ID: 933922). Advanced modeling of protein sequence and biophysical properties (such as structural, functional, and spatial information, amino acid conservation, physicochemical variation, residue mobility, and thermodynamic stability) performed at Invitae indicates that this missense variant is not expected to disrupt MEGF10 protein function with a negative predictive value of 80%. In summary, the available evidence is currently insufficient to determine the role of this variant in disease. Therefore, it has been classified as a Variant of Uncertain Significance.